The following is an entry in ClinVar:

NM_000352.6(ABCC8):c.4376T>C (p.Leu1459Pro)

Gene: ABCC8 (ATP binding cassette subfamily C member 8; minus strand). Cytogenetic location: 11p15.1.
Variant type: single nucleotide variant.
Coding change: c.4376T>C on transcript NM_000352.6 (MANE Select); coding-DNA position 4376, T replaced by C.
Protein change: p.Leu1459Pro; replaces leucine 1459 with proline.
Molecular consequence: missense variant. On other transcripts: non-coding transcript variant (1).
Genome position (GRCh38, 1-based): chr11:17,395,207, A>G on the plus strand (T>C on the coding strand, the complement: ABCC8 is on the minus strand). VCF-style: chr11-17395207-A-G. GRCh37 (hg19) VCF-style: chr11-17416754-A-G.
Other names: c.4379T>C, p.Leu1460Pro (NM_001287174.3); c.4442T>C, p.Leu1481Pro (NM_001351295.2); c.4376T>C, p.Leu1459Pro (NM_001351296.2); c.4373T>C, p.Leu1458Pro (NM_001351297.2); short protein forms L1460P, L1459P, L1481P, L1458P.
Identifiers: ClinVar variation 2779676 (VCV002779676.3), dbSNP rs971604271, ClinGen allele CA379785270.

ClinVar aggregate classification (germline): Likely pathogenic (1 of 4 stars; one submission).

gnomAD v4.1: 1 of 1,594,078 alleles (0.000063%); highest among the groups gnomAD compares: Non-Finnish European, 0.000086%; no homozygotes.

Submission:

Labcorp Genetics (formerly Invitae), Labcorp
Classification: Likely pathogenic. Last evaluated: 2023-06-25. Review status: criteria provided, single submitter. Criteria: Invitae Variant Classification Sherloc (09022015). Collection method: clinical testing. Allele origin: germline.
Comment: This variant is not present in population databases (gnomAD no frequency). This sequence change replaces leucine, which is neutral and non-polar, with proline, which is neutral and non-polar, at codon 1459 of the ABCC8 protein (p.Leu1459Pro). This variant has not been reported in the literature in individuals affected with ABCC8-related conditions. Advanced modeling of protein sequence and biophysical properties (such as structural, functional, and spatial information, amino acid conservation, physicochemical variation, residue mobility, and thermodynamic stability) performed at Invitae indicates that this missense variant is expected to disrupt ABCC8 protein function. This variant disrupts the p.Leu1459 amino acid residue in ABCC8. Other variant(s) that disrupt this residue have been determined to be pathogenic (PMID: 23275527). This suggests that this residue is clinically significant, and that variants that disrupt this residue are likely to be disease-causing. In summary, the currently available evidence indicates that the variant is pathogenic, but additional data are needed to prove that conclusively. Therefore, this variant has been classified as Likely Pathogenic.

Literature cited by the submitters: PubMed 23275527.